The following is an entry in ClinVar:

NM_001080453.3(INTS1):c.4359C>G (p.Ser1453=)

Gene: INTS1 (integrator complex subunit 1; minus strand). Cytogenetic location: 7p22.3.
Variant type: single nucleotide variant.
Coding change: c.4359C>G on transcript NM_001080453.3 (MANE Select); coding-DNA position 4359, C replaced by G.
Protein change: p.Ser1453=; no amino-acid change (serine 1453 retained).
Molecular consequence: synonymous variant.
Genome position (GRCh38, 1-based): chr7:1,478,856, G>C on the plus strand (C>G on the coding strand, the complement: INTS1 is on the minus strand). VCF-style: chr7-1478856-G-C. GRCh37 (hg19) VCF-style: chr7-1518492-G-C.
Other names: c.876C>G, p.Ser292= (NM_015674.1).
Identifiers: ClinVar variation 1879682 (VCV001879682.29), dbSNP rs778154378, ClinGen allele CA4118882.

ClinVar aggregate classification (germline): Likely benign (1 of 4 stars; one submission).

Submission:

CeGaT Center for Human Genetics Tuebingen
Classification: Likely benign. Last evaluated: 2022-11-01. Review status: criteria provided, single submitter. Criteria: CeGaT Center For Human Genetics Tuebingen Variant Classification Criteria Version 2. Collection method: clinical testing. Allele origin: germline. Affected: yes. Observed: 1 variant allele.
Comment: INTS1: BP4, BP7